The following is an entry in ClinVar:

ClinVar aggregate classification (germline): Benign (1 of 4 stars; one submission).

Allele frequency attached by ClinVar (database versions not stated): TOPMed 0.12573; gnomAD 0.13372; 1000 Genomes Project 0.13538; 1000 Genomes Project 30x 0.13741.
gnomAD v4.1: 19,342 of 152,274 alleles (13%); highest among the groups gnomAD compares: African/African-American, 19%; 1,405 homozygotes.

Submission:

GeneDx
Classification: Benign. Last evaluated: 2018-06-19. Review status: criteria provided, single submitter. Criteria: GeneDx Variant Classification (06012015). Collection method: clinical testing. Allele origin: germline. Affected: yes.
Comment: This variant is considered likely benign or benign based on one or more of the following criteria: it is a conservative change, it occurs at a poorly conserved position in the protein, it is predicted to be benign by multiple in silico algorithms, and/or has population frequency not consistent with disease.

NM_001330078.2(NRXN1):c.1321-212A>G

Gene: NRXN1 (neurexin 1; minus strand). Cytogenetic location: 2p16.3.
Variant type: single nucleotide variant.
Coding change: c.1321-212A>G on transcript NM_001330078.2 (MANE Select); 212 bases into the intron before coding-DNA position 1321, A replaced by G.
Molecular consequence: intron variant.
Genome position (GRCh38, 1-based): chr2:50,553,237, T>C on the plus strand (A>G on the coding strand, the complement: NRXN1 is on the minus strand). VCF-style: chr2-50553237-T-C. GRCh37 (hg19) VCF-style: chr2-50780375-T-C.
Other names: c.1441-212A>G (NM_001135659.3); c.1237-212A>G (NM_001330096.2, NM_001330087.2); c.1282-212A>G (NM_001330083.2, NM_001330084.2); c.1267-212A>G (NM_001330088.2); c.1318-212A>G (NM_001330093.2); c.1309-212A>G (NM_001330094.2); c.1297-212A>G (NM_001330095.2, NM_001330082.2, NM_001330077.2); c.1321-212A>G (NM_001330085.2, NM_004801.6, NM_001330086.2).
Identifiers: ClinVar variation 670774 (VCV000670774.1), dbSNP rs13029649, ClinGen allele CA11067324.